The following is an entry in ClinVar:

NM_002335.4(LRP5):c.3859G>A (p.Asp1287Asn)

Gene: LRP5 (LDL receptor related protein 5; plus strand). Cytogenetic location: 11q13.2.
Variant type: single nucleotide variant.
Coding change: c.3859G>A on transcript NM_002335.4 (MANE Select); coding-DNA position 3859, G replaced by A.
Protein change: p.Asp1287Asn; replaces aspartic acid 1287 with asparagine.
Molecular consequence: missense variant.
Genome position (GRCh38, 1-based): chr11:68,433,697, G>A. VCF-style: chr11-68433697-G-A. GRCh37 (hg19) VCF-style: chr11-68201165-G-A.
Other names: c.2116G>A, p.Asp706Asn (NM_001291902.2); c.3859G>A (NM_002335.2); short protein forms D1287N, D706N.
Identifiers: ClinVar variation 3698828 (VCV003698828.4).

ClinVar aggregate classification (germline): Uncertain significance. Review status: criteria provided, multiple submitters, no conflicts (2 of 4 stars). 3 submissions from 3 submitters: Uncertain significance (3). Last evaluated 2026-03-10.

Conditions:
Inborn genetic diseases. Identifiers: MedGen C0950123, MeSH D030342.

gnomAD v4.1: 2 of 1,613,186 alleles (0.00012%); highest among the groups gnomAD compares: South Asian, 0.0011%; no homozygotes.

Submissions (3):

Ambry Genetics
Classification: Uncertain significance for Inborn genetic diseases. Last evaluated: 2026-03-10. Review status: criteria provided, single submitter. Criteria: Ambry Variant Classification Scheme 2023. Collection method: clinical testing. Allele origin: germline.

Labcorp Genetics (formerly Invitae), Labcorp
Classification: Uncertain significance. Last evaluated: 2024-11-27. Review status: criteria provided, single submitter. Criteria: Invitae Variant Classification Sherloc (09022015). Collection method: clinical testing. Allele origin: germline.
Comment: This sequence change replaces aspartic acid, which is acidic and polar, with asparagine, which is neutral and polar, at codon 1287 of the LRP5 protein (p.Asp1287Asn). This variant is present in population databases (no rsID available, gnomAD 0.007%). This variant has not been reported in the literature in individuals affected with LRP5-related conditions. Invitae Evidence Modeling of protein sequence and biophysical properties (such as structural, functional, and spatial information, amino acid conservation, physicochemical variation, residue mobility, and thermodynamic stability) indicates that this missense variant is not expected to disrupt LRP5 protein function with a negative predictive value of 95%. In summary, the available evidence is currently insufficient to determine the role of this variant in disease. Therefore, it has been classified as a Variant of Uncertain Significance.

Blueprint Genetics
Classification: Uncertain significance. Last evaluated: 2023-02-28. Review status: criteria provided, single submitter. Criteria: ACMG Guidelines, 2015. Collection method: clinical testing. Allele origin: germline.